The following is an entry in ClinVar:

NM_004963.4(GUCY2C):c.714C>G (p.Asp238Glu)

Genes: GUCY2C (guanylate cyclase 2C; minus strand), GUCY2C-AS1 (GUCY2C antisense RNA 1; plus strand). Cytogenetic location: 12p12.3.
Variant type: single nucleotide variant.
Coding change: c.714C>G on transcript NM_004963.4 (MANE Select); coding-DNA position 714, C replaced by G.
Protein change: p.Asp238Glu; replaces aspartic acid 238 with glutamic acid.
Molecular consequence: missense variant.
Genome position (GRCh38, 1-based): chr12:14,681,375, G>C on the plus strand (C>G on the coding strand, the complement: GUCY2C is on the minus strand). VCF-style: chr12-14681375-G-C. GRCh37 (hg19) VCF-style: chr12-14834309-G-C.
Other names: short protein forms D238E.
Identifiers: ClinVar variation 1476169 (VCV001476169.8), dbSNP rs753877259, ClinGen allele CA6463685.

ClinVar aggregate classification (germline): Uncertain significance (1 of 4 stars; one submission).

Allele frequency attached by ClinVar (database versions not stated): ExAC 0.00001.
gnomAD v4.1: 5 of 1,612,512 alleles (0.00031%); highest among the groups gnomAD compares: South Asian, 0.0055%; no homozygotes.

Submission:

Labcorp Genetics (formerly Invitae), Labcorp
Classification: Uncertain significance. Last evaluated: 2020-12-22. Review status: criteria provided, single submitter. Criteria: Invitae Variant Classification Sherloc (09022015). Collection method: clinical testing. Allele origin: germline.
Comment: This sequence change replaces aspartic acid with glutamic acid at codon 238 of the GUCY2C protein (p.Asp238Glu). The aspartic acid residue is weakly conserved and there is a small physicochemical difference between aspartic acid and glutamic acid. This variant is present in population databases (rs753877259, ExAC 0.006%). This variant has not been reported in the literature in individuals with GUCY2C-related conditions. Algorithms developed to predict the effect of missense changes on protein structure and function (SIFT, PolyPhen-2, Align-GVGD) all suggest that this variant is likely to be tolerated, but these predictions have not been confirmed by published functional studies and their clinical significance is uncertain. In summary, the available evidence is currently insufficient to determine the role of this variant in disease. Therefore, it has been classified as a Variant of Uncertain Significance.